The following is an entry in ClinVar:

NM_000264.5(PTCH1):c.2180G>A (p.Cys727Tyr)

Genes: PTCH1 (patched 1; minus strand), LOC100507346 (uncharacterized LOC100507346; plus strand). Cytogenetic location: 9q22.32.
Variant type: single nucleotide variant.
Coding change: c.2180G>A on transcript NM_000264.5 (MANE Select); coding-DNA position 2180, G replaced by A.
Protein change: p.Cys727Tyr; replaces cysteine 727 with tyrosine.
Molecular consequence: missense variant. On other transcripts: non-coding transcript variant (2).
Genome position (GRCh38, 1-based): chr9:95,468,821, C>T on the plus strand (G>A on the coding strand, the complement: PTCH1 is on the minus strand). VCF-style: chr9-95468821-C-T. GRCh37 (hg19) VCF-style: chr9-98231103-C-T.
Other names: c.1982G>A, p.Cys661Tyr (NM_001083602.3); c.2177G>A, p.Cys726Tyr (NM_001083603.3); c.1727G>A, p.Cys576Tyr (NM_001083604.3, NM_001083605.3, NM_001083606.3 and 1 more transcripts); c.2024G>A, p.Cys675Tyr (NM_001354918.2); short protein forms C675Y, C661Y, C726Y, C576Y, C727Y.
Identifiers: ClinVar variation 2160419 (VCV002160419.6), dbSNP rs2118030105, ClinGen allele CA374115429.
Genomic context (GRCh38, chr9:95,468,821, plus strand): 5'-GGTTTCAAGAGGAAAGGAGCATAGTGCTTCTCAGCAAAAGATGAGAGTGTCCACTTCGTA[C>T]AGGGGGGCTCGAGGCAGTGGAGGCTGGAGTCGGAGAACTGGGAGAGCAGGTCCCTTGTGG-3'
Protein context (NP_000255.2, residues 717-737): DSSLHCLEPP[Cys727Tyr]TKWTLSSFAE

ClinVar aggregate classification (germline): Uncertain significance. Review status: criteria provided, multiple submitters, no conflicts (2 of 4 stars). 3 submissions from 3 submitters: Uncertain significance (3). Last evaluated 2026-01-10.

Conditions:
Basal cell carcinoma, susceptibility to, 1. Also called: BCC1. Identifiers: MedGen C2751544, MONDO:0011556, OMIM 605462.
Hereditary cancer-predisposing syndrome. Also called: Hereditary neoplastic syndrome; Neoplastic Syndromes, Hereditary; Tumor predisposition; Hereditary Cancer Syndrome. Identifiers: Orphanet 140162, MedGen C0027672, MeSH D009386, MONDO:0015356.
Gorlin syndrome. Also called: Nevoid Basal Cell Carcinoma Syndrome; Basal cell nevus syndrome. Identifiers: Orphanet 377, MedGen C0004779, MONDO:0007187.

Submissions (3):

Ambry Genetics
Classification: Uncertain significance for Hereditary cancer-predisposing syndrome. Last evaluated: 2026-01-10. Review status: criteria provided, single submitter. Criteria: Ambry Variant Classification Scheme 2023. Collection method: clinical testing. Allele origin: germline.
Comment: The p.C727Y variant (also known as c.2180G>A), located in coding exon 14 of the PTCH1 gene, results from a G to A substitution at nucleotide position 2180. The cysteine at codon 727 is replaced by tyrosine, an amino acid with highly dissimilar properties. This amino acid position is conserved. In addition, the in silico prediction for this alteration is inconclusive. Based on the available evidence, the clinical significance of this variant remains unclear.

Labcorp Genetics (formerly Invitae), Labcorp
Classification: Uncertain significance for Gorlin syndrome. Last evaluated: 2024-07-23. Review status: criteria provided, single submitter. Criteria: Invitae Variant Classification Sherloc (09022015). Collection method: clinical testing. Allele origin: germline.
Comment: This sequence change replaces cysteine, which is neutral and slightly polar, with tyrosine, which is neutral and polar, at codon 727 of the PTCH1 protein (p.Cys727Tyr). This variant is not present in population databases (gnomAD no frequency). This variant has not been reported in the literature in individuals affected with PTCH1-related conditions. ClinVar contains an entry for this variant (Variation ID: 2160419). Advanced modeling of protein sequence and biophysical properties (such as structural, functional, and spatial information, amino acid conservation, physicochemical variation, residue mobility, and thermodynamic stability) performed at Invitae indicates that this missense variant is not expected to disrupt PTCH1 protein function with a negative predictive value of 95%. In summary, the available evidence is currently insufficient to determine the role of this variant in disease. Therefore, it has been classified as a Variant of Uncertain Significance.

Baylor Genetics
Classification: Uncertain significance for Basal cell carcinoma, susceptibility to, 1. Last evaluated: 2023-09-06. Review status: criteria provided, single submitter. Criteria: ACMG Guidelines, 2015. Collection method: clinical testing. Allele origin: unknown.